The following is an entry in ClinVar:

NM_205861.3(DHDDS):c.440+6T>C

Gene: DHDDS (dehydrodolichyl diphosphate synthase subunit; plus strand). Cytogenetic location: 1p36.11.
Variant type: single nucleotide variant.
Coding change: c.440+6T>C on transcript NM_205861.3 (MANE Select); 6 bases into the intron after coding-DNA position 440, T replaced by C.
Molecular consequence: intron variant.
Genome position (GRCh38, 1-based): chr1:26,446,438, T>C. VCF-style: chr1-26446438-T-C. GRCh37 (hg19) VCF-style: chr1-26772929-T-C.
Other names: c.161+6T>C (NM_001319959.2); c.440+6T>C (NM_024887.4, NM_001243564.2); c.324-1121T>C (NM_001243565.2).
Identifiers: ClinVar variation 2145937 (VCV002145937.3), dbSNP rs748456341, ClinGen allele CA705335.

ClinVar aggregate classification (germline): Uncertain significance (1 of 4 stars; one submission).

Conditions:
Retinitis pigmentosa 59 (RP59). Identifiers: Orphanet 791, MedGen C3151227, MONDO:0013468, OMIM 613861.

Allele frequency attached by ClinVar (database versions not stated): ExAC 0.00001; gnomAD 0.00001; TOPMed 0.00001; gnomAD exomes 0.00006.
gnomAD v4.1: 90 of 1,612,706 alleles (0.0056%); highest among the groups gnomAD compares: Non-Finnish European, 0.007%; no homozygotes.

Submission:

Labcorp Genetics (formerly Invitae), Labcorp
Classification: Uncertain significance for Retinitis pigmentosa 59. Last evaluated: 2024-05-15. Review status: criteria provided, single submitter. Criteria: Invitae Variant Classification Sherloc (09022015). Collection method: clinical testing. Allele origin: germline.
Comment: This sequence change falls in intron 5 of the DHDDS gene. It does not directly change the encoded amino acid sequence of the DHDDS protein. It affects a nucleotide within the consensus splice site. This variant is present in population databases (rs748456341, gnomAD 0.006%). This variant has not been reported in the literature in individuals affected with DHDDS-related conditions. ClinVar contains an entry for this variant (Variation ID: 2145937). Variants that disrupt the consensus splice site are a relatively common cause of aberrant splicing (PMID: 17576681, 9536098). Algorithms developed to predict the effect of sequence changes on RNA splicing suggest that this variant is not likely to affect RNA splicing. In summary, the available evidence is currently insufficient to determine the role of this variant in disease. Therefore, it has been classified as a Variant of Uncertain Significance.

Literature cited by the submitters: PubMed 17576681; PubMed 9536098.